The following is an entry in ClinVar:

ClinVar aggregate classification (germline): Uncertain significance (1 of 4 stars; one submission).

Conditions:
LRP6-related disorder. Also called: LRP6-related condition.

gnomAD v4.1: 2 of 1,614,018 alleles (0.00012%); highest among the groups gnomAD compares: Non-Finnish European, 0.000085%; no homozygotes.

Submission:

PreventionGenetics, part of Exact Sciences
Classification: Uncertain significance for LRP6-related condition. Last evaluated: 2024-10-25. Review status: criteria provided, single submitter. Criteria: ACMG Guidelines, 2015. Collection method: clinical testing. Allele origin: germline.
Comment: The LRP6 c.2836C>T variant is predicted to result in the amino acid substitution p.Arg946Cys. To our knowledge, this variant has not been reported in the literature or in a large population database (gnomAD), indicating this variant is rare. At this time, the clinical significance of this variant is uncertain due to the absence of conclusive functional and genetic evidence.

NM_002336.3(LRP6):c.2836C>T (p.Arg946Cys)

Gene: LRP6 (LDL receptor related protein 6; minus strand). Cytogenetic location: 12p13.2.
Variant type: single nucleotide variant.
Coding change: c.2836C>T on transcript NM_002336.3 (MANE Select); coding-DNA position 2836, C replaced by T.
Protein change: p.Arg946Cys; replaces arginine 946 with cysteine.
Molecular consequence: missense variant. On other transcripts: non-coding transcript variant (1).
Genome position (GRCh38, 1-based): chr12:12,150,994, G>A on the plus strand (C>T on the coding strand, the complement: LRP6 is on the minus strand). VCF-style: chr12-12150994-G-A. GRCh37 (hg19) VCF-style: chr12-12303928-G-A.
Other names: c.2836C>T, p.Arg946Cys (NM_001414244.1, NM_001414245.1, NM_001414246.1 and 4 more transcripts); c.2638C>T, p.Arg880Cys (NM_001414247.1); c.2383C>T, p.Arg795Cys (NM_001414252.1, NM_001414253.1, NM_001414254.1); c.2329C>T, p.Arg777Cys (NM_001414255.1); short protein forms R777C, R795C, R880C, R946C.
Identifiers: ClinVar variation 4977116 (VCV004977116.1).